The following is an entry in ClinVar:

NM_002294.3(LAMP2):c.376T>C (p.Phe126Leu)

Gene: LAMP2 (lysosome associated membrane protein 2; minus strand). Cytogenetic location: Xq24.
Variant type: single nucleotide variant.
Coding change: c.376T>C on transcript NM_002294.3 (MANE Select); coding-DNA position 376, T replaced by C.
Protein change: p.Phe126Leu; replaces phenylalanine 126 with leucine.
Molecular consequence: missense variant.
Genome position (GRCh38, 1-based): chrX:120,455,378, A>G on the plus strand (T>C on the coding strand, the complement: LAMP2 is on the minus strand). VCF-style: chrX-120455378-A-G. GRCh37 (hg19) VCF-style: chrX-119589233-A-G.
Other names: c.376T>C, p.Phe126Leu (NM_001122606.1, NM_013995.2); short protein forms F126L.
Identifiers: ClinVar variation 1004229 (VCV001004229.10), dbSNP rs1921041200, ClinGen allele CA414402773.

ClinVar aggregate classification (germline): Uncertain significance (1 of 4 stars; one submission).

Conditions:
Danon disease. Also called: PSEUDOGLYCOGENOSIS II; GSD IIb; LYSOSOMAL GLYCOGEN STORAGE DISEASE WITHOUT ACID MALTASE DEFICIENCY; ANTOPOL DISEASE; Glycogen Storage Disease Type IIb. Identifiers: Orphanet 34587, MedGen C0878677, MONDO:0010281, OMIM 300257.

Allele frequency attached by ClinVar (database versions not stated): gnomAD 0.00001; TOPMed 0.00001.
gnomAD v4.1: 1 of 1,199,501 alleles (0.000083%); highest among the groups gnomAD compares: African/African-American, 0.0018%; no homozygotes.

Submission:

Labcorp Genetics (formerly Invitae), Labcorp
Classification: Uncertain significance for Danon disease. Last evaluated: 2025-11-20. Review status: criteria provided, single submitter. Criteria: Invitae Variant Classification Sherloc (09022015). Collection method: clinical testing. Allele origin: germline.
Comment: This sequence change replaces phenylalanine, which is neutral and non-polar, with leucine, which is neutral and non-polar, at codon 126 of the LAMP2 protein (p.Phe126Leu). This variant is not present in population databases (gnomAD no frequency). This variant has not been reported in the literature in individuals affected with LAMP2-related conditions. ClinVar contains an entry for this variant (Variation ID: 1004229). Invitae Evidence Modeling of protein sequence and biophysical properties (such as structural, functional, and spatial information, amino acid conservation, physicochemical variation, residue mobility, and thermodynamic stability) indicates that this missense variant is expected to disrupt LAMP2 protein function with a positive predictive value of 80%. In summary, the available evidence is currently insufficient to determine the role of this variant in disease. Therefore, it has been classified as a Variant of Uncertain Significance.